The following is an entry in ClinVar:

NM_000466.3(PEX1):c.3077T>C (p.Leu1026Pro)

Genes: GATAD1 (GATA zinc finger domain containing 1; plus strand), PEX1 (peroxisomal biogenesis factor 1; minus strand). Cytogenetic location: 7q21.2.
Variant type: single nucleotide variant.
Coding change: c.3077T>C on transcript NM_000466.3 (MANE Select); coding-DNA position 3077, T replaced by C.
Protein change: p.Leu1026Pro; replaces leucine 1026 with proline.
Molecular consequence: missense variant.
Genome position (GRCh38, 1-based): chr7:92,493,083, A>G on the plus strand (T>C on the coding strand, the complement: PEX1 is on the minus strand). VCF-style: chr7-92493083-A-G. GRCh37 (hg19) VCF-style: chr7-92122397-A-G.
Other names: c.2906T>C, p.Leu969Pro (NM_001282677.2); c.2453T>C, p.Leu818Pro (NM_001282678.2); short protein forms L1026P, L969P, L818P.
Identifiers: ClinVar variation 553776 (VCV000553776.20), dbSNP rs954814470, ClinGen allele CA161954483.
Genomic context (GRCh38, chr7:92,493,083, plus strand): 5'-TCAGCTCCAGTAAAGGAGTCAGTTACTGATGCTACATGCTGAAGGTCAACATCATCTGCC[A>G]GAGGTAGAGAGTCACTGAGGACATTTAAAATTTCAAGACGTGACACCTGAAAGGAGAAAA-3'
Protein context (NP_000457.1, residues 1016-1036): ILNVLSDSLP[Leu1026Pro]ADDVDLQHVA

ClinVar aggregate classification (germline): Conflicting classifications of pathogenicity. Review status: criteria provided, conflicting classifications (1 of 4 stars). 9 submissions from 8 submitters: Pathogenic (4); Likely pathogenic (2); Uncertain significance (2). 1 of the submissions does not count toward it. Last evaluated 2026-10-02.

Conditions:
Heimler syndrome 1 (HMLR1). Also called: PEROXISOME BIOGENESIS DISORDER 1C. Identifiers: Orphanet 3220, MedGen C4551980, OMIM 234580, MONDO:0024544.
Peroxisome biogenesis disorder. Identifiers: Orphanet 79189, MedGen C1832200, MONDO:0019234. Disease mechanism: loss of function.
Zellweger spectrum disorders (ZS). Also called: Zellweger Spectrum Disorder (ZSD); Zellweger Spectrum Disorder; Zellweger Spectrum; Zellweger syndrome. Identifiers: Orphanet 912, MedGen C0043459, MONDO:0019609.
Peroxisome biogenesis disorder 1B (PBD1B). Also called: Refsum disease, infantile form; Infantile Refsum disease; Infantile form of phytanic acid storage disease; PEROXISOME BIOGENESIS DISORDER (NALD/IRD); ADRENOLEUKODYSTROPHY, AUTOSOMAL NEONATAL; PEROXISOME BIOGENESIS DISORDER (NEONATAL ADRENOLEUKODYSTROPHY/INFANTILE REFSUM DISEASE). Identifiers: Orphanet 44, MedGen C0282527, MONDO:0011101, OMIM 601539.
PEX1-related disorder. Also called: PEX1-related condition.
Peroxisome biogenesis disorder 1A (Zellweger) (PBD1A). Also called: Peroxisome biogenesis disorder 1a; Zellweger leukodystrophy. Identifiers: MedGen C4721541, MONDO:0008953, OMIM 214100.

Allele frequency attached by ClinVar (database versions not stated): gnomAD exomes below 0.00001.
gnomAD v4.1: 2 of 1,612,502 alleles (0.00012%); highest among the groups gnomAD compares: Non-Finnish European, 0.000085%; no homozygotes.

Submissions (9):

GeneDx
Classification: Likely pathogenic. Last evaluated: 2026-10-02. Review status: criteria provided, single submitter. Criteria: GeneDx Variant Classification Process June 2021. Collection method: clinical testing. Allele origin: germline.
Comment: Not observed at significant frequency in large population cohorts (gnomAD); In silico analysis supports that this missense variant has a deleterious effect on protein structure/function; This variant is associated with the following publications: (PMID: 35322241, 33955814, 28446956, 33708531, 36511274, Parsamanesh2021[Case Report], 41898878, 31374812, 32483926)

Women's Health and Genetics/Laboratory Corporation of America, LabCorp
Classification: Pathogenic for Peroxisome biogenesis disorder. Last evaluated: 2025-10-20. Review status: criteria provided, single submitter. Criteria: LabCorp Variant Classification Summary - May 2015. Collection method: clinical testing. Allele origin: germline.
Comment: Variant summary: PEX1 c.3077T>C (p.Leu1026Pro) results in a non-conservative amino acid change in the encoded protein sequence. Algorithms developed to predict the effect of missense changes on protein structure and function all suggest that this variant is likely to be disruptive. The variant was absent in 251024 control chromosomes. c.3077T>C has been observed in the homozygous and compound heterozygous state in multiple individuals affected with clinical features of Zellweger Syndrome (example, Bousfiha_2017, Herijgers_2021, Brea-Fernandez_2022). These data indicate that the variant is very likely to be associated with disease. To our knowledge, no experimental evidence demonstrating an impact on protein function has been reported. The following publications have been ascertained in the context of this evaluation (PMID: 28446956, 33955814, 35322241). ClinVar contains an entry for this variant (Variation ID: 553776). Based on the evidence outlined above, the variant was classified as pathogenic.

Natera, Inc.
Classification: Likely pathogenic for Zellweger syndrome. Last evaluated: 2025-06-12. Review status: criteria provided, single submitter. Criteria: Natera Variant Classification Schema (03/2026). Collection method: clinical testing. Allele origin: germline.
Comment: The c.3077T>C variant in PEX1 is a missense variant predicted to cause substitution of leucine to proline at amino acid 1026. This variant is rare in the general population with a frequency below the threshold expected for the associated phenotype(s). This variant has been observed in one or more individuals affected with the associated recessive disease, as either homozygous or compound heterozygous with a second variant (PMID: 28446956, 35322241). This variant has been identified in one or more affected individual with a phenotype highly consistent with the associated gene (PMID: 28446956). Computational prediction algorithms indicate this variant is likely to affect gene or protein function. Given the available evidence, this variant is classified as Likely Pathogenic.

Labcorp Genetics (formerly Invitae), Labcorp
Classification: Pathogenic for Zellweger spectrum disorders. Last evaluated: 2025-05-09. Review status: criteria provided, single submitter. Criteria: Invitae Variant Classification Sherloc (09022015). Collection method: clinical testing. Allele origin: germline.
Comment: This sequence change replaces leucine, which is neutral and non-polar, with proline, which is neutral and non-polar, at codon 1026 of the PEX1 protein (p.Leu1026Pro). This variant is not present in population databases (gnomAD no frequency). This missense change has been observed in individual(s) with Zellweger spectrum disorders (PMID: 28446956, 32483926, 33955814, 35322241). In at least one individual the data is consistent with being in trans (on the opposite chromosome) from a pathogenic variant. It has also been observed to segregate with disease in related individuals. ClinVar contains an entry for this variant (Variation ID: 553776). Invitae Evidence Modeling of protein sequence and biophysical properties (such as structural, functional, and spatial information, amino acid conservation, physicochemical variation, residue mobility, and thermodynamic stability) indicates that this missense variant is expected to disrupt PEX1 protein function with a positive predictive value of 95%. For these reasons, this variant has been classified as Pathogenic.

Blueprint Genetics
Classification: Pathogenic for PEX1-related disorders. Last evaluated: 2024-07-11. Review status: criteria provided, single submitter. Criteria: ACMG Guidelines, 2015. Collection method: clinical testing. Allele origin: germline. Affected: yes. Observed: 1 variant allele.

Baylor Genetics
Classification: Pathogenic for Heimler syndrome 1. Last evaluated: 2024-03-14. Review status: criteria provided, single submitter. Criteria: ACMG Guidelines, 2015. Collection method: clinical testing. Allele origin: unknown.

Baylor Genetics
Classification: Uncertain significance for Peroxisome biogenesis disorder 1B. Last evaluated: 2019-12-04. Review status: criteria provided, single submitter. Criteria: ACMG Guidelines, 2015. Collection method: clinical testing. Allele origin: unknown. Affected: yes.
Comment: This variant was determined to be of uncertain significance according to ACMG Guidelines, 2015 [PMID:25741868].

Eurofins Ntd Llc (ga)
Classification: Uncertain significance. Last evaluated: 2017-10-10. Review status: criteria provided, single submitter. Criteria: EGL Classification Definitions 2015. Collection method: clinical testing. Allele origin: germline. Observed: 1 variant allele, 1 heterozygote.

Counsyl
Classification: Uncertain significance for Peroxisome biogenesis disorder 1A (Zellweger). Last evaluated: 2017-11-14. Review status: no assertion criteria provided. Collection method: clinical testing. Allele origin: unknown. Not counted in ClinVar's aggregate classification.

Literature cited by the submitters: PubMed 35322241 (cited by 3 submitters); PubMed 28446956 (cited by 4 submitters); PubMed 33955814 (cited by Women's Health and Genetics/Laboratory Corporation of America, LabCorp and Labcorp Genetics (formerly Invitae), Labcorp); PubMed 32483926 (cited by Labcorp Genetics (formerly Invitae), Labcorp).